The following is an entry in ClinVar:

ClinVar aggregate classification (germline): Benign/Likely benign. Review status: criteria provided, multiple submitters, no conflicts (2 of 4 stars). 17 submissions from 17 submitters: Benign (9); Likely benign (4). 4 of the submissions do not count toward it. Last evaluated 2026-02-03.

Conditions:
Dilated cardiomyopathy 1AA (CMD1AA). Also called: CARDIOMYOPATHY, DILATED, 1AA, WITH OR WITHOUT LEFT VENTRICULAR NONCOMPACTION; CARDIOMYOPATHY, FAMILIAL HYPERTROPHIC, 23, WITH OR WITHOUT LEFT VENTRICULAR NONCOMPACTION; Cardiomyopathy, dilated, 1AA, with or without LVNC. Identifiers: Orphanet 154, MedGen C2677338, MONDO:0012808, OMIM 612158.
Myopathy, congenital, with structured cores and z-line abnormalities. Also called: MULTIPLE STRUCTURED CORE DISEASE; CONGENITAL MYOPATHY 8. Identifiers: MedGen C5231445, MONDO:0032852, OMIM 618654.
Myopathy, distal, 6, adult-onset, autosomal dominant. Identifiers: MedGen C5203349, MONDO:0032853, OMIM 618655.
Cardiomyopathy (CMYO). Also called: Cardiomyopathies. Identifiers: Orphanet 167848, MedGen C0878544, MONDO:0004994, HP:0001638. Inheritance: Various modes of inheritance.
Primary familial hypertrophic cardiomyopathy (HCM). Identifiers: Orphanet 99739, MedGen C0949658, MeSH D024741, MONDO:0024573. Inheritance: Various modes of inheritance.

Allele frequency attached by ClinVar (database versions not stated): ESP Exome Variant Server 0.00538; gnomAD 0.00547 and 0.00577; TOPMed 0.00566; 1000 Genomes Project 30x 0.00640; 1000 Genomes Project 0.00679.
gnomAD v4.1: 1,566 of 1,614,144 alleles (0.097%); highest among the groups gnomAD compares: African/African-American, 1.8%; 17 homozygotes.

Submissions (17):

Labcorp Genetics (formerly Invitae), Labcorp
Classification: Benign for Primary familial hypertrophic cardiomyopathy; Dilated cardiomyopathy 1AA. Last evaluated: 2026-02-03. Review status: criteria provided, single submitter. Criteria: Invitae Variant Classification Sherloc (09022015). Collection method: clinical testing. Allele origin: germline.

Molecular Diagnostic Laboratory for Inherited Cardiovascular Disease, Montreal Heart Institute
Classification: Benign. Last evaluated: 2025-04-09. Review status: criteria provided, single submitter. Criteria: ACMG Guidelines, 2015. Collection method: clinical testing. Allele origin: germline. Affected: no.

ARUP Laboratories, Molecular Genetics and Genomics, ARUP Laboratories
Classification: Benign. Last evaluated: 2025-03-21. Review status: criteria provided, single submitter. Criteria: ARUP Molecular Germline Variant Investigation Process 2024. Collection method: clinical testing. Allele origin: germline.

Blueprint Genetics
Classification: Likely benign. Last evaluated: 2024-11-18. Review status: criteria provided, single submitter. Criteria: ACMG Guidelines, 2015. Collection method: clinical testing. Allele origin: germline.

Fulgent Genetics
Classification: Likely benign for Dilated cardiomyopathy 1AA; Myopathy, congenital, with structured cores and z-line abnormalities; Myopathy, distal, 6, adult-onset, autosomal dominant. Last evaluated: 2021-10-21. Review status: criteria provided, single submitter. Criteria: ACMG Guidelines, 2015. Collection method: clinical testing. Allele origin: unknown.

Women's Health and Genetics/Laboratory Corporation of America, LabCorp
Classification: Benign. Last evaluated: 2020-06-13. Review status: criteria provided, single submitter. Criteria: LabCorp Variant Classification Summary - May 2015. Collection method: clinical testing. Allele origin: germline.

Illumina Laboratory Services, Illumina
Classification: Likely benign for Dilated cardiomyopathy 1AA. Last evaluated: 2018-01-12. Review status: criteria provided, single submitter. Criteria: ICSL Variant Classification Criteria 13 December 2019. Collection method: clinical testing. Allele origin: germline.
Comment: This variant was observed in the ICSL laboratory as part of a predisposition screen in an ostensibly healthy population. It had not been previously curated by ICSL or reported in the Human Gene Mutation Database (HGMD: prior to June 1st, 2018), and was therefore a candidate for classification through an automated scoring system. Utilizing variant allele frequency, disease prevalence and penetrance estimates, and inheritance mode, an automated score was calculated to assess if this variant is too frequent to cause the disease. Based on the score and internal cut-off values, a variant classified as likely benign is not then subjected to further curation. The score for this variant resulted in a classification of likely benign for this disease.

Mayo Clinic Laboratories, Mayo Clinic
Classification: Benign. Last evaluated: 2016-11-11. Review status: criteria provided, single submitter. Criteria: ACMG Guidelines, 2015. Collection method: clinical testing. Allele origin: germline. Observed: 19 variant alleles.

CHEO Genetics Diagnostic Laboratory, Children's Hospital of Eastern Ontario
Classification: Benign for Cardiomyopathy. Last evaluated: 2015-11-25. Review status: criteria provided, single submitter. Criteria: ACMG Guidelines, 2015. Collection method: clinical testing. Allele origin: germline. Study: Canadian Open Genetics Repository.

GeneDx
Classification: Benign. Last evaluated: 2014-01-23. Review status: criteria provided, single submitter. Criteria: GeneDx Variant Classification (06012015). Collection method: clinical testing. Allele origin: germline. Affected: yes.
Comment: This variant is considered likely benign or benign based on one or more of the following criteria: it is a conservative change, it occurs at a poorly conserved position in the protein, it is predicted to be benign by multiple in silico algorithms, and/or has population frequency not consistent with disease.

Laboratory for Molecular Medicine, Mass General Brigham Personalized Medicine
Classification: Benign. Last evaluated: 2012-04-19. Review status: criteria provided, single submitter. Criteria: LMM Criteria. Collection method: clinical testing. Allele origin: germline. Observed: 16 variant alleles.
Comment: Arg457Arg in Exon 12 of ACTN2: This variant is not expected to have clinical sig nificance because it does not alter an amino acid residue, is not located within the splice consensus sequence and has been identified in 1.6% (61/3738) of Afri can American chromosomes from a broad population by the NHLBI Exome Sequencing P roject (dbSNP rs114008185).

Breakthrough Genomics
Classification: Likely benign. Review status: criteria provided, single submitter. Criteria: ACMG Guidelines, 2015. Collection method: not provided. Allele origin: germline. Inheritance: Autosomal dominant inheritance. Affected: yes.

PreventionGenetics, part of Exact Sciences
Classification: Benign. Review status: criteria provided, single submitter. Criteria: ACMG Guidelines, 2015. Collection method: clinical testing. Allele origin: germline.

Clinical Genetics DNA and cytogenetics Diagnostics Lab, Erasmus MC, Erasmus Medical Center
Classification: Benign. Review status: no assertion criteria provided. Collection method: clinical testing. Allele origin: germline. Affected: yes. Study: VKGL Data-share Consensus. Not counted in ClinVar's aggregate classification.

Clinical Genetics, Academic Medical Center
Classification: Benign. Review status: no assertion criteria provided. Collection method: clinical testing. Allele origin: germline. Affected: yes. Study: VKGL Data-share Consensus. Not counted in ClinVar's aggregate classification.

Diagnostic Laboratory, Department of Genetics, University Medical Center Groningen
Classification: Likely benign for Dilated cardiomyopathy 1AA. Review status: no assertion criteria provided. Collection method: clinical testing. Allele origin: germline. Affected: yes. Study: VKGL Data-share Consensus. Not counted in ClinVar's aggregate classification.

Joint Genome Diagnostic Labs from Nijmegen and Maastricht, Radboudumc and MUMC+
Classification: Likely benign. Review status: no assertion criteria provided. Collection method: clinical testing. Allele origin: germline. Affected: yes. Study: VKGL Data-share Consensus. Not counted in ClinVar's aggregate classification.

NM_001103.4(ACTN2):c.1371C>T (p.Arg457=)

Gene: ACTN2 (actinin alpha 2; plus strand). Cytogenetic location: 1q43.
Variant type: single nucleotide variant.
Coding change: c.1371C>T on transcript NM_001103.4 (MANE Select); coding-DNA position 1371, C replaced by T.
Protein change: p.Arg457=; no amino-acid change (arginine 457 retained).
Molecular consequence: synonymous variant.
Genome position (GRCh38, 1-based): chr1:236,744,741, C>T. VCF-style: chr1-236744741-C-T. GRCh37 (hg19) VCF-style: chr1-236908041-C-T.
Other names: p.R457R:CGC>CGT; p.Arg457=; c.1371C>T, p.Arg457= (NM_001278343.2); c.747C>T, p.Arg249= (NM_001278344.2).
Identifiers: ClinVar variation 43903 (VCV000043903.42), dbSNP rs114008185, ClinGen allele CA133126.
Genomic context (GRCh38, chr1:236,744,741, plus strand): 5'-GCGGGCTCTGCTGCGGAAGCACGAGGCGTTCGAGAGCGACCTGGCAGCGCACCAGGACCG[C>T]GTGGAGCAGATCGCAGCCATCGCGCAGGAGCTCAAGTATGTGCAGATGCCCTCCGTCCTC-3'
Protein context (NP_001094.1, residues 447-467): FESDLAAHQD[Arg457=]VEQIAAIAQE